The following is an entry in ClinVar:

NM_001256012.3(MYH10):c.5794C>T (p.Arg1932Cys)

Genes: MYH10 (myosin heavy chain 10; minus strand), LOC125177414 (Sharpr-MPRA regulatory region 9669; plus strand). Cytogenetic location: 17p13.1.
Variant type: single nucleotide variant.
Coding change: c.5794C>T on transcript NM_001256012.3 (MANE Select); coding-DNA position 5794, C replaced by T.
Protein change: p.Arg1932Cys; replaces arginine 1932 with cysteine.
Molecular consequence: missense variant.
Genome position (GRCh38, 1-based): chr17:8,476,961, G>A on the plus strand (C>T on the coding strand, the complement: MYH10 is on the minus strand). VCF-style: chr17-8476961-G-A. GRCh37 (hg19) VCF-style: chr17-8380279-G-A.
Other names: c.5728C>T, p.Arg1910Cys (NM_001256095.2); c.5731C>T, p.Arg1911Cys (NM_001375266.1); c.5701C>T, p.Arg1901Cys (NM_005964.5); short protein forms R1901C, R1910C, R1911C, R1932C.
Identifiers: ClinVar variation 3376760 (VCV003376760.1).
Genomic context (GRCh38, chr17:8,476,961, plus strand): 5'-CCTCGCGGCTCAGGCCCTCGTTGGCCTCGGTGGCATCATCCAGTTCCCGCTGGAGTTTAC[G>A]CCGAGATGCGTTGGCACGCGTCGCTTCTTCTTCTGCTTCCTCCAGCTGGCGTTTAAGCTG-3'
Protein context (NP_001242941.1, residues 1922-1942): EEATRANASR[Arg1932Cys]KLQRELDDAT

ClinVar aggregate classification (germline): Likely pathogenic (1 of 4 stars; one submission).

Conditions:
Neurodevelopmental disorder. Identifiers: MedGen C1535926, MeSH D065886, MONDO:0700092.

Submission:

Victorian Clinical Genetics Services, Murdoch Childrens Research Institute
Classification: Likely pathogenic for Neurodevelopmental disorder. Last evaluated: 2023-07-17. Review status: criteria provided, single submitter. Criteria: ACMG Guidelines, 2015. Collection method: clinical testing. Allele origin: germline. Inheritance: Autosomal dominant inheritance. Affected: yes.
Comment: Based on the classification scheme VCGS_Germline_v1.3.4, this variant is classified as Likely pathogenic. Following criteria are met: 0105 - The mechanism of disease for this gene is not clearly established. However, both dominant negative and loss of function have been suggested (PMIDs: 25003005, 35980381). (I) 0107 - This gene is associated with autosomal dominant disease. (I) 0115 - Variants in this gene are known to have variable expressivity. Both interfamilial and intrafamilial variabilty have been described (PMID: 35980381). (I) 0200 - Variant is predicted to result in a missense amino acid change from arginine to cysteine. (I) 0251 - This variant is heterozygous. (I) 0301 - Variant is absent from gnomAD (both v2 and v3). (SP) 0501 - Missense variant consistently predicted to be damaging by multiple in silico tools or highly conserved with a major amino acid change. (SP) 0600 - Variant is located in the annotated myosin tail domain (DECIPHER). (I) 0807 - This variant has no previous evidence of pathogenicity. (I) 0905 - No published segregation evidence has been identified for this variant. (I) 1007 - No published functional evidence has been identified for this variant. (SP) Legend: (SP) - Supporting pathogenic, (I) - Information, (SB) - Supporting benign

Literature cited by the submitters: PubMed 25003005; PubMed 35980381.